The following is an entry in ClinVar:

NM_006258.4(PRKG1):c.1173+4G>A

Gene: PRKG1 (protein kinase cGMP-dependent 1; plus strand). Cytogenetic location: 10q21.1.
Variant type: single nucleotide variant.
Coding change: c.1173+4G>A on transcript NM_006258.4 (MANE Select); 4 bases into the intron after coding-DNA position 1173, G replaced by A.
Molecular consequence: intron variant.
Genome position (GRCh38, 1-based): chr10:52,251,670, G>A. VCF-style: chr10-52251670-G-A. GRCh37 (hg19) VCF-style: chr10-54011430-G-A.
Other names: c.1173+4G>A (LRG_1135t1); c.1128+4G>A (LRG_1135t2, NM_001098512.3).
Identifiers: ClinVar variation 264425 (VCV000264425.15), dbSNP rs886039153, ClinGen allele CA10587699.
Genomic context (GRCh38, chr10:52,251,670, plus strand): 5'-TCTGATTTCAACATCATTGATACCCTTGGAGTTGGAGGTTTCGGACGAGTAGAACTGGTA[G>A]GTGATTGTTCTTTAAATGCTTTTGATCGCCTCTGCTTCCTTTTTAATTTTTTCCCCTAGA-3'

ClinVar aggregate classification (germline): Conflicting classifications of pathogenicity. Review status: criteria provided, conflicting classifications (1 of 4 stars). 3 submissions from 3 submitters: Uncertain significance (2); Likely benign (1). Last evaluated 2025-12-13.

Conditions:
Aortic aneurysm, familial thoracic 8 (AAT8). Identifiers: MedGen C3809513, MONDO:0014187, OMIM 615436.
Familial thoracic aortic aneurysm and aortic dissection (TAAD). Also called: Thoracic aortic aneurysms and dissections. Identifiers: Orphanet 91387, MedGen C4707243, MONDO:0019625.

Allele frequency attached by ClinVar (database versions not stated): gnomAD 0.00001; gnomAD exomes 0.00002; TOPMed 0.00004.
gnomAD v4.1: 14 of 1,607,032 alleles (0.00087%); highest among the groups gnomAD compares: Admixed American, 0.0033%; no homozygotes.

Submissions (3):

Labcorp Genetics (formerly Invitae), Labcorp
Classification: Uncertain significance for Aortic aneurysm, familial thoracic 8. Last evaluated: 2025-12-13. Review status: criteria provided, single submitter. Criteria: Invitae Variant Classification Sherloc (09022015). Collection method: clinical testing. Allele origin: germline.
Comment: This sequence change falls in intron 10 of the PRKG1 gene. It does not directly change the encoded amino acid sequence of the PRKG1 protein. It affects a nucleotide within the consensus splice site. The frequency data for this variant in the population databases is considered unreliable, as metrics indicate poor data quality at this position in the gnomAD database. This variant has not been reported in the literature in individuals affected with PRKG1-related conditions. ClinVar contains an entry for this variant (Variation ID: 264425). Variants that disrupt the consensus splice site are a relatively common cause of aberrant splicing (PMID: 17576681, 9536098). Algorithms developed to predict the effect of sequence changes on RNA splicing suggest that this variant is not likely to affect RNA splicing. In summary, the available evidence is currently insufficient to determine the role of this variant in disease. Therefore, it has been classified as a Variant of Uncertain Significance.

Ambry Genetics
Classification: Uncertain significance for Familial thoracic aortic aneurysm and aortic dissection. Last evaluated: 2021-11-29. Review status: criteria provided, single submitter. Criteria: Ambry Variant Classification Scheme 2023. Collection method: clinical testing. Allele origin: germline.
Comment: The c.1173+4G>A intronic variant results from a G to A substitution 4 nucleotides after coding exon 10 in the PRKG1 gene. This nucleotide position is well conserved in available vertebrate species. In silico splice site analysis predicts that this alteration will not have any significant effect on splicing. Since supporting evidence is limited at this time, the clinical significance of this alteration remains unclear.

GeneDx
Classification: Likely benign. Last evaluated: 2017-11-10. Review status: criteria provided, single submitter. Criteria: GeneDx Variant Classification (06012015). Collection method: clinical testing. Allele origin: germline. Affected: yes.
Comment: This variant is considered likely benign or benign based on one or more of the following criteria: it is a conservative change, it occurs at a poorly conserved position in the protein, it is predicted to be benign by multiple in silico algorithms, and/or has population frequency not consistent with disease.

Literature cited by the submitters: PubMed 17576681 (cited by Labcorp Genetics (formerly Invitae), Labcorp); PubMed 9536098 (cited by Labcorp Genetics (formerly Invitae), Labcorp).